The following is an entry in ClinVar:

NM_003867.4(FGF17):c.250+7G>A

Gene: FGF17 (fibroblast growth factor 17; plus strand). Cytogenetic location: 8p21.3.
Variant type: single nucleotide variant.
Coding change: c.250+7G>A on transcript NM_003867.4 (MANE Select); 7 bases into the intron after coding-DNA position 250, G replaced by A.
Molecular consequence: intron variant.
Genome position (GRCh38, 1-based): chr8:22,046,298, G>A. VCF-style: chr8-22046298-G-A. GRCh37 (hg19) VCF-style: chr8-21903809-G-A.
Other names: c.217+7G>A (NM_001304478.1); c.250+7G>A (NM_003867.3).
Identifiers: ClinVar variation 1600733 (VCV001600733.11), dbSNP rs200194065, ClinGen allele CA4659855.

ClinVar aggregate classification (germline): Benign/Likely benign. Review status: criteria provided, multiple submitters, no conflicts (2 of 4 stars). 4 submissions from 4 submitters: Benign (2); Likely benign (1). 1 of the submissions does not count toward it. Last evaluated 2024-11-12.

Conditions:
FGF17-related disorder. Also called: FGF17-related condition.

Allele frequency attached by ClinVar (database versions not stated): ExAC 0.00014; 1000 Genomes Project 30x 0.00016; 1000 Genomes Project 0.00020.
gnomAD v4.1: 226 of 1,611,804 alleles (0.014%); highest among the groups gnomAD compares: Middle Eastern, 0.13%; 1 homozygote.

Submissions (4):

Blueprint Genetics
Classification: Likely benign. Last evaluated: 2024-11-12. Review status: criteria provided, single submitter. Criteria: ACMG Guidelines, 2015. Collection method: clinical testing. Allele origin: germline.

Labcorp Genetics (formerly Invitae), Labcorp
Classification: Benign. Last evaluated: 2023-08-17. Review status: criteria provided, single submitter. Criteria: Invitae Variant Classification Sherloc (09022015). Collection method: clinical testing. Allele origin: germline.

Breakthrough Genomics
Classification: Benign. Review status: criteria provided, single submitter. Criteria: ACMG Guidelines, 2015. Collection method: not provided. Allele origin: germline. Inheritance: Autosomal dominant inheritance. Affected: yes.

PreventionGenetics, part of Exact Sciences
Classification: Likely benign for FGF17-related condition. Last evaluated: 2024-09-20. Review status: no assertion criteria provided. Collection method: clinical testing. Allele origin: germline. Not counted in ClinVar's aggregate classification.
Comment: This variant is classified as likely benign based on ACMG/AMP sequence variant interpretation guidelines (Richards et al. 2015 PMID: 25741868, with internal and published modifications).